The following is an entry in ClinVar:

NM_177438.3(DICER1):c.3697G>A (p.Asp1233Asn)

Gene: DICER1 (dicer 1, ribonuclease III; minus strand). Cytogenetic location: 14q32.13.
Variant type: single nucleotide variant.
Coding change: c.3697G>A on transcript NM_177438.3 (MANE Select); coding-DNA position 3697, G replaced by A.
Protein change: p.Asp1233Asn; replaces aspartic acid 1233 with asparagine.
Molecular consequence: missense variant.
Genome position (GRCh38, 1-based): chr14:95,103,699, C>T on the plus strand (G>A on the coding strand, the complement: DICER1 is on the minus strand). VCF-style: chr14-95103699-C-T. GRCh37 (hg19) VCF-style: chr14-95570036-C-T.
Other names: c.3697G>A, p.Asp1233Asn (NM_001195573.1, NM_001271282.3, NM_001291628.2 and 1 more transcripts); short protein forms D1233N.
Identifiers: ClinVar variation 477159 (VCV000477159.15), dbSNP rs1454503348, ClinGen allele CA390874309.
Genomic context (GRCh38, chr14:95,103,699, plus strand): 5'-CTGAGGTAGATTTGTTAGCATTTCCATCAAGGTATTTATTACTCAGGAGAGTACATTCAT[C>T]GCTGGGCTGGGGCTGGTTCTCGTAACTGTATAAATTCTGAATGGAATATGAGGTAGTTGG-3'
Protein context (NP_803187.1, residues 1223-1243): YSYENQPQPS[Asp1233Asn]ECTLLSNKYL

ClinVar aggregate classification (germline): Uncertain significance. Review status: criteria provided, multiple submitters, no conflicts (2 of 4 stars). 2 submissions from 2 submitters: Uncertain significance (2). Last evaluated 2025-12-10.

Conditions:
DICER1-related tumor predisposition. Also called: DICER1-related pleuropulmonary blastoma cancer predisposition syndrome; DICER1 syndrome. Identifiers: Orphanet 284343, MedGen C3839822, MONDO:0100216.
Hereditary cancer-predisposing syndrome. Also called: Tumor predisposition; Neoplastic Syndromes, Hereditary; Hereditary Cancer Syndrome; Hereditary neoplastic syndrome. Identifiers: Orphanet 140162, MedGen C0027672, MeSH D009386, MONDO:0015356.

Allele frequency attached by ClinVar (database versions not stated): gnomAD exomes below 0.00001 and 0.00001; gnomAD 0.00002 and 0.00003; TOPMed 0.00002.
gnomAD v4.1: 13 of 1,614,016 alleles (0.00081%); highest among the groups gnomAD compares: South Asian, 0.0044%; no homozygotes.

Submissions (2):

Ambry Genetics
Classification: Uncertain significance for Hereditary cancer-predisposing syndrome. Last evaluated: 2025-12-10. Review status: criteria provided, single submitter. Criteria: Ambry Variant Classification Scheme 2023. Collection method: clinical testing. Allele origin: germline.
Comment: The p.D1233N variant (also known as c.3697G>A), located in coding exon 20 of the DICER1 gene, results from a G to A substitution at nucleotide position 3697. The aspartic acid at codon 1233 is replaced by asparagine, an amino acid with highly similar properties. This amino acid position is poorly conserved in available vertebrate species. In addition, this alteration is predicted to be tolerated by in silico analysis. Since supporting evidence is limited at this time, the clinical significance of this alteration remains unclear.

Labcorp Genetics (formerly Invitae), Labcorp
Classification: Uncertain significance for DICER1-related tumor predisposition. Last evaluated: 2025-05-05. Review status: criteria provided, single submitter. Criteria: Invitae Variant Classification Sherloc (09022015). Collection method: clinical testing. Allele origin: germline.
Comment: This sequence change replaces aspartic acid, which is acidic and polar, with asparagine, which is neutral and polar, at codon 1233 of the DICER1 protein (p.Asp1233Asn). This variant is present in population databases (no rsID available, gnomAD 0.003%). This variant has not been reported in the literature in individuals affected with DICER1-related conditions. ClinVar contains an entry for this variant (Variation ID: 477159). Invitae Evidence Modeling of protein sequence and biophysical properties (such as structural, functional, and spatial information, amino acid conservation, physicochemical variation, residue mobility, and thermodynamic stability) indicates that this missense variant is not expected to disrupt DICER1 protein function with a negative predictive value of 95%. In summary, the available evidence is currently insufficient to determine the role of this variant in disease. Therefore, it has been classified as a Variant of Uncertain Significance.